The following is an entry in ClinVar:

NM_004046.6(ATP5F1A):c.437T>C (p.Leu146Pro)

Gene: ATP5F1A (ATP synthase F1 subunit alpha; minus strand). Cytogenetic location: 18q21.1.
Variant type: single nucleotide variant.
Coding change: c.437T>C on transcript NM_004046.6 (MANE Select); coding-DNA position 437, T replaced by C.
Protein change: p.Leu146Pro; replaces leucine 146 with proline.
Molecular consequence: missense variant. On other transcripts: intron variant (1).
Genome position (GRCh38, 1-based): chr18:46,089,869, A>G on the plus strand (T>C on the coding strand, the complement: ATP5F1A is on the minus strand). VCF-style: chr18-46089869-A-G. GRCh37 (hg19) VCF-style: chr18-43669835-A-G.
Other names: c.287T>C, p.Leu96Pro (NM_001001935.3, NM_001257335.2); c.437T>C, p.Leu146Pro (NM_001001937.2); c.417+20T>C (NM_001257334.2); short protein forms L146P, L96P.
Identifiers: ClinVar variation 4689872 (VCV004689872.1).

ClinVar aggregate classification (germline): Uncertain significance (1 of 4 stars; one submission).

Submission:

GeneDx
Classification: Uncertain significance. Last evaluated: 2025-07-24. Review status: criteria provided, single submitter. Criteria: GeneDx Variant Classification Process June 2021. Collection method: clinical testing. Allele origin: germline. Affected: yes.
Comment: Not observed at significant frequency in large population cohorts (gnomAD); In silico analysis supports that this missense variant has a deleterious effect on protein structure/function; Has not been previously published as pathogenic or benign to our knowledge